The following is an entry in ClinVar:

NM_001386795.1(DTNA):c.536C>T (p.Thr179Met)

Gene: DTNA (dystrobrevin alpha; plus strand). Cytogenetic location: 18q12.1.
Variant type: single nucleotide variant.
Coding change: c.536C>T on transcript NM_001386795.1 (MANE Select); coding-DNA position 536, C replaced by T.
Protein change: p.Thr179Met; replaces threonine 179 with methionine.
Molecular consequence: missense variant.
Genome position (GRCh38, 1-based): chr18:34,812,046, C>T. VCF-style: chr18-34812046-C-T. GRCh37 (hg19) VCF-style: chr18-32392010-C-T.
Other names: c.536C>T, p.Thr179Met (NM_001128175.2, NM_001198938.2, NM_001198939.2 and 35 more transcripts); short protein forms T179M.
Identifiers: ClinVar variation 808388 (VCV000808388.17), dbSNP rs752144270, ClinGen allele CA8935401.
Genomic context (GRCh38, chr18:34,812,046, plus strand): 5'-GTGGGGTGATGGTTTATGGACGATATGACCAATTCCTTCGGGAAGTTCTCAAACTACCCA[C>T]GGCAGTTTTTGAAGGTCCTTCATTTGGTTACACAGAACAGTCAGCCAGATCCTGTTTCTC-3'
Protein context (NP_001373724.1, residues 169-189): QFLREVLKLP[Thr179Met]AVFEGPSFGY

ClinVar aggregate classification (germline): Uncertain significance (1 of 4 stars; one submission).

Conditions:
Left ventricular noncompaction 1 (LVNC1). Also called: LEFT VENTRICULAR NONCOMPACTION 1 WITH OR WITHOUT CONGENITAL HEART DEFECTS. Identifiers: Orphanet 54260, MedGen C1858725, MONDO:0011403, OMIM 604169.

Allele frequency attached by ClinVar (database versions not stated): ExAC 0.00001; gnomAD exomes 0.00001 and 0.00002; TOPMed 0.00002; gnomAD 0.00003.
gnomAD v4.1: 28 of 1,613,926 alleles (0.0017%); highest among the groups gnomAD compares: East Asian, 0.0022%; no homozygotes.

Submission:

Labcorp Genetics (formerly Invitae), Labcorp
Classification: Uncertain significance for Left ventricular noncompaction 1. Last evaluated: 2025-10-20. Review status: criteria provided, single submitter. Criteria: Invitae Variant Classification Sherloc (09022015). Collection method: clinical testing. Allele origin: germline.
Comment: This sequence change replaces threonine, which is neutral and polar, with methionine, which is neutral and non-polar, at codon 179 of the DTNA protein (p.Thr179Met). This variant is present in population databases (rs752144270, gnomAD 0.002%). This variant has not been reported in the literature in individuals affected with DTNA-related conditions. ClinVar contains an entry for this variant (Variation ID: 808388). Invitae Evidence Modeling of protein sequence and biophysical properties (such as structural, functional, and spatial information, amino acid conservation, physicochemical variation, residue mobility, and thermodynamic stability) indicates that this missense variant is not expected to disrupt DTNA protein function with a negative predictive value of 80%. In summary, the available evidence is currently insufficient to determine the role of this variant in disease. Therefore, it has been classified as a Variant of Uncertain Significance.